The following is an entry in ClinVar:

NM_002519.3(NPAT):c.3214C>T (p.Pro1072Ser)

Gene: NPAT (nuclear protein, coactivator of histone transcription; minus strand). Cytogenetic location: 11q22.3.
Variant type: single nucleotide variant.
Coding change: c.3214C>T on transcript NM_002519.3 (MANE Select); coding-DNA position 3214, C replaced by T.
Protein change: p.Pro1072Ser; replaces proline 1072 with serine.
Molecular consequence: missense variant.
Genome position (GRCh38, 1-based): chr11:108,161,872, G>A on the plus strand (C>T on the coding strand, the complement: NPAT is on the minus strand). VCF-style: chr11-108161872-G-A. GRCh37 (hg19) VCF-style: chr11-108032599-G-A.
Other names: c.3235C>T, p.Pro1079Ser (NM_001321307.1); short protein forms P1072S, P1079S.
Identifiers: ClinVar variation 1728973 (VCV001728973.5), dbSNP rs777834447, ClinGen allele CA6263617.

ClinVar aggregate classification (germline): Uncertain significance. Review status: criteria provided, multiple submitters, no conflicts (2 of 4 stars). 2 submissions from 2 submitters: Uncertain significance (2). Last evaluated 2024-07-29.

Allele frequency attached by ClinVar (database versions not stated): ExAC 0.00001; gnomAD exomes 0.00001; TOPMed 0.00001.
gnomAD v4.1: 14 of 1,614,098 alleles (0.00087%); highest among the groups gnomAD compares: African/African-American, 0.0013%; no homozygotes.

Submissions (2):

Labcorp Genetics (formerly Invitae), Labcorp
Classification: Uncertain significance. Last evaluated: 2024-07-29. Review status: criteria provided, single submitter. Criteria: Invitae Variant Classification Sherloc (09022015). Collection method: clinical testing. Allele origin: germline.
Comment: This sequence change replaces proline, which is neutral and non-polar, with serine, which is neutral and polar, at codon 1072 of the NPAT protein (p.Pro1072Ser). This variant is present in population databases (rs777834447, gnomAD 0.002%). This variant has not been reported in the literature in individuals affected with NPAT-related conditions. ClinVar contains an entry for this variant (Variation ID: 1728973). An algorithm developed to predict the effect of missense changes on protein structure and function outputs the following: PolyPhen-2: "Benign". The serine amino acid residue is found in multiple mammalian species, which suggests that this missense change does not adversely affect protein function. In summary, the available evidence is currently insufficient to determine the role of this variant in disease. Therefore, it has been classified as a Variant of Uncertain Significance.

Ambry Genetics
Classification: Uncertain significance. Last evaluated: 2024-01-25. Review status: criteria provided, single submitter. Criteria: Ambry Variant Classification Scheme 2023. Collection method: clinical testing. Allele origin: germline.
Comment: The p.P1072S variant (also known as c.3214C>T), located in coding exon 17 of the NPAT gene, results from a C to T substitution at nucleotide position 3214. The proline at codon 1072 is replaced by serine, an amino acid with similar properties. This amino acid position is conserved. In addition, this alteration is predicted to be tolerated by in silico analysis. Since supporting evidence is limited at this time, the clinical significance of this alteration remains unclear.